The following is an entry in ClinVar:

ClinVar aggregate classification (germline): Likely benign (1 of 4 stars; one submission).

Allele frequency attached by ClinVar (database versions not stated): ESP Exome Variant Server 0.00015.

Submission:

CeGaT Center for Human Genetics Tuebingen
Classification: Likely benign. Last evaluated: 2022-11-01. Review status: criteria provided, single submitter. Criteria: CeGaT Center For Human Genetics Tuebingen Variant Classification Criteria Version 2. Collection method: clinical testing. Allele origin: germline. Affected: yes. Observed: 1 variant allele.
Comment: H1-1: BP4, BP7

NM_005325.4(H1-1):c.30C>T (p.Ala10=)

Gene: H1-1 (H1.1 linker histone, cluster member; minus strand). Cytogenetic location: 6p22.2.
Variant type: single nucleotide variant.
Coding change: c.30C>T on transcript NM_005325.4 (MANE Select); coding-DNA position 30, C replaced by T.
Protein change: p.Ala10=; no amino-acid change (alanine 10 retained).
Molecular consequence: synonymous variant.
Genome position (GRCh38, 1-based): chr6:26,017,703, G>A on the plus strand (C>T on the coding strand, the complement: H1-1 is on the minus strand). VCF-style: chr6-26017703-G-A. GRCh37 (hg19) VCF-style: chr6-26017931-G-A.
Identifiers: ClinVar variation 2656292 (VCV002656292.24), dbSNP rs148095398, ClinGen allele CA3664345.